The following is an entry in ClinVar:

ClinVar aggregate classification (germline): Likely benign. Review status: criteria provided, multiple submitters, no conflicts (2 of 4 stars). 3 submissions from 3 submitters: Likely benign (3). Last evaluated 2025-10-01.

Allele frequency attached by ClinVar (database versions not stated): TOPMed 0.00001; gnomAD exomes 0.00003 and 0.00009; ExAC 0.00009; gnomAD 0.00009; 1000 Genomes Project 30x 0.00016; 1000 Genomes Project 0.00020.
gnomAD v4.1: 57 of 1,613,656 alleles (0.0035%); highest among the groups gnomAD compares: South Asian, 0.012%; no homozygotes.

Submissions (3):

Labcorp Genetics (formerly Invitae), Labcorp
Classification: Likely benign. Last evaluated: 2025-10-01. Review status: criteria provided, single submitter. Criteria: Invitae Variant Classification Sherloc (09022015). Collection method: clinical testing. Allele origin: germline.

CeGaT Center for Human Genetics Tuebingen
Classification: Likely benign. Last evaluated: 2025-07-01. Review status: criteria provided, single submitter. Criteria: CeGaT Center For Human Genetics Tuebingen Variant Classification Criteria Version 2. Collection method: clinical testing. Allele origin: germline. Affected: yes. Observed: 1 variant allele.
Comment: MYO18B: BP4, BP7

Blueprint Genetics
Classification: Likely benign. Last evaluated: 2024-03-11. Review status: criteria provided, single submitter. Criteria: ACMG Guidelines, 2015. Collection method: clinical testing. Allele origin: germline.

NM_032608.7(MYO18B):c.441C>T (p.Gly147=)

Gene: MYO18B (myosin XVIIIB; plus strand). Cytogenetic location: 22q12.1.
Variant type: single nucleotide variant.
Coding change: c.441C>T on transcript NM_032608.7 (MANE Select); coding-DNA position 441, C replaced by T.
Protein change: p.Gly147=; no amino-acid change (glycine 147 retained).
Molecular consequence: synonymous variant.
Genome position (GRCh38, 1-based): chr22:25,768,357, C>T. VCF-style: chr22-25768357-C-T. GRCh37 (hg19) VCF-style: chr22-26164324-C-T.
Other names: c.441C>T, p.Gly147= (NM_001318245.2).
Identifiers: ClinVar variation 1668290 (VCV001668290.17), dbSNP rs569577077, ClinGen allele CA10159584.